The following is an entry in ClinVar:

ClinVar aggregate classification (germline): Uncertain significance (1 of 4 stars; one submission).

Conditions:
Glycogen storage disease due to lactate dehydrogenase M-subunit deficiency (GSD11). Also called: Glycogen storage disease XI; GSD XI; LACTATE DEHYDROGENASE A DEFICIENCY. Identifiers: Orphanet 284426, MedGen C2931743, MONDO:0013047, OMIM 612933.

Allele frequency attached by ClinVar (database versions not stated): gnomAD exomes 0.00001.
gnomAD v4.1: 8 of 1,613,572 alleles (0.0005%); highest among the groups gnomAD compares: Non-Finnish European, 0.00068%; no homozygotes.

Submission:

Labcorp Genetics (formerly Invitae), Labcorp
Classification: Uncertain significance for Glycogen storage disease due to lactate dehydrogenase M-subunit deficiency. Last evaluated: 2022-06-28. Review status: criteria provided, single submitter. Criteria: Invitae Variant Classification Sherloc (09022015). Collection method: clinical testing. Allele origin: germline.
Comment: In summary, the available evidence is currently insufficient to determine the role of this variant in disease. Therefore, it has been classified as a Variant of Uncertain Significance. Algorithms developed to predict the effect of missense changes on protein structure and function (SIFT, PolyPhen-2, Align-GVGD) all suggest that this variant is likely to be tolerated. This variant has not been reported in the literature in individuals affected with LDHA-related conditions. This variant is present in population databases (no rsID available, gnomAD 0.0009%). This sequence change replaces methionine, which is neutral and non-polar, with isoleucine, which is neutral and non-polar, at codon 63 of the LDHA protein (p.Met63Ile).

NM_005566.4(LDHA):c.189G>A (p.Met63Ile)

Gene: LDHA (lactate dehydrogenase A; plus strand). Cytogenetic location: 11p15.1.
Variant type: single nucleotide variant.
Coding change: c.189G>A on transcript NM_005566.4 (MANE Select); coding-DNA position 189, G replaced by A.
Protein change: p.Met63Ile; replaces methionine 63 with isoleucine.
Molecular consequence: missense variant.
Genome position (GRCh38, 1-based): chr11:18,399,493, G>A. VCF-style: chr11-18399493-G-A. GRCh37 (hg19) VCF-style: chr11-18421040-G-A.
Other names: c.189G>A, p.Met63Ile (NM_001135239.2, NM_001165415.2, NM_001165416.2); c.276G>A, p.Met92Ile (NM_001165414.2); short protein forms M63I, M92I.
Identifiers: ClinVar variation 1945135 (VCV001945135.5), dbSNP rs1365649442, ClinGen allele CA379502133.